The following is an entry in ClinVar:

ClinVar aggregate classification (germline): Uncertain significance. Review status: criteria provided, multiple submitters, no conflicts (2 of 4 stars). 2 submissions from 2 submitters: Uncertain significance (2). Last evaluated 2024-05-23.

Conditions:
Inborn genetic diseases. Identifiers: MedGen C0950123, MeSH D030342.

Allele frequency attached by ClinVar (database versions not stated): gnomAD 0.00001; TOPMed 0.00001; gnomAD exomes 0.00002 and 0.00006; ExAC 0.00009.
gnomAD v4.1: 39 of 1,613,682 alleles (0.0024%); highest among the groups gnomAD compares: South Asian, 0.023%; no homozygotes.

Submissions (2):

Ambry Genetics
Classification: Uncertain significance for Inborn genetic diseases. Last evaluated: 2024-05-23. Review status: criteria provided, single submitter. Criteria: Ambry Variant Classification Scheme 2023. Collection method: clinical testing. Allele origin: germline.

Labcorp Genetics (formerly Invitae), Labcorp
Classification: Uncertain significance. Last evaluated: 2024-01-02. Review status: criteria provided, single submitter. Criteria: Invitae Variant Classification Sherloc (09022015). Collection method: clinical testing. Allele origin: germline.
Comment: This sequence change replaces valine, which is neutral and non-polar, with isoleucine, which is neutral and non-polar, at codon 102 of the ADAMTS10 protein (p.Val102Ile). This variant is present in population databases (rs782124766, gnomAD 0.04%). This variant has not been reported in the literature in individuals affected with ADAMTS10-related conditions. ClinVar contains an entry for this variant (Variation ID: 1046020). Algorithms developed to predict the effect of missense changes on protein structure and function output the following: SIFT: "Not Available"; PolyPhen-2: "Benign"; Align-GVGD: "Not Available". The isoleucine amino acid residue is found in multiple mammalian species, which suggests that this missense change does not adversely affect protein function. In summary, the available evidence is currently insufficient to determine the role of this variant in disease. Therefore, it has been classified as a Variant of Uncertain Significance.

NM_030957.4(ADAMTS10):c.304G>A (p.Val102Ile)

Gene: ADAMTS10 (ADAM metallopeptidase with thrombospondin type 1 motif 10; minus strand). Cytogenetic location: 19p13.2.
Variant type: single nucleotide variant.
Coding change: c.304G>A on transcript NM_030957.4 (MANE Select); coding-DNA position 304, G replaced by A.
Protein change: p.Val102Ile; replaces valine 102 with isoleucine.
Molecular consequence: missense variant.
Genome position (GRCh38, 1-based): chr19:8,605,143, C>T on the plus strand (G>A on the coding strand, the complement: ADAMTS10 is on the minus strand). VCF-style: chr19-8605143-C-T. GRCh37 (hg19) VCF-style: chr19-8670028-C-T.
Other names: c.304G>A (NM_030957.2); short protein forms V102I.
Identifiers: ClinVar variation 1046020 (VCV001046020.9), dbSNP rs782124766, ClinGen allele CA9160884.
Genomic context (GRCh38, chr19:8,605,143, plus strand): 5'-AGTGGGGCCGGGCCGCCCTCTGCCAGGCCAGGCCCTCCCGTGTCCAGTACTCCACGGAGA[C>T]GTGCCCTGCCAGTAGACGGGAGCTGCGGGTCAGGTTCAGCAGGAAGTGGGTGCTGGGCGA-3'
Protein context (NP_112219.3, residues 92-112): TRSSRLLAGH[Val102Ile]SVEYWTREGL